The following is an entry in ClinVar:

NM_013322.3(SNX10):c.334C>A (p.Leu112Ile)

Gene: SNX10 (sorting nexin 10; plus strand). Cytogenetic location: 7p15.2.
Variant type: single nucleotide variant.
Coding change: c.334C>A on transcript NM_013322.3 (MANE Select); coding-DNA position 334, C replaced by A.
Protein change: p.Leu112Ile; replaces leucine 112 with isoleucine.
Molecular consequence: missense variant.
Genome position (GRCh38, 1-based): chr7:26,371,843, C>A. VCF-style: chr7-26371843-C-A. GRCh37 (hg19) VCF-style: chr7-26411463-C-A.
Other names: c.334C>A, p.Leu112Ile (NM_001199835.1, NM_001318199.3); c.325C>A, p.Leu109Ile (NM_001199837.3); c.82C>A, p.Leu28Ile (NM_001199838.2); c.412C>A, p.Leu138Ile (NM_001318198.1, NM_001362753.1, NM_001362754.1); short protein forms L138I, L109I, L28I, L112I.
Identifiers: ClinVar variation 1915096 (VCV001915096.3), dbSNP rs1335445324, ClinGen allele CA367228533.

ClinVar aggregate classification (germline): Uncertain significance. Review status: criteria provided, multiple submitters, no conflicts (2 of 4 stars). 2 submissions from 2 submitters: Uncertain significance (2). Last evaluated 2025-12-08.

Conditions:
Inborn genetic diseases. Identifiers: MedGen C0950123, MeSH D030342.

Allele frequency attached by ClinVar (database versions not stated): TOPMed 0.00002; gnomAD 0.00003.
gnomAD v4.1: 5 of 1,612,640 alleles (0.00031%); highest among the groups gnomAD compares: African/African-American, 0.0054%; no homozygotes.

Submissions (2):

Ambry Genetics
Classification: Uncertain significance for Inborn genetic diseases. Last evaluated: 2025-12-08. Review status: criteria provided, single submitter. Criteria: Ambry Variant Classification Scheme 2023. Collection method: clinical testing. Allele origin: germline.

Labcorp Genetics (formerly Invitae), Labcorp
Classification: Uncertain significance. Last evaluated: 2022-05-06. Review status: criteria provided, single submitter. Criteria: Invitae Variant Classification Sherloc (09022015). Collection method: clinical testing. Allele origin: germline.
Comment: This sequence change replaces leucine, which is neutral and non-polar, with isoleucine, which is neutral and non-polar, at codon 112 of the SNX10 protein (p.Leu112Ile). This variant is present in population databases (no rsID available, gnomAD 0.008%). This variant has not been reported in the literature in individuals affected with SNX10-related conditions. Algorithms developed to predict the effect of missense changes on protein structure and function are either unavailable or do not agree on the potential impact of this missense change (SIFT: "Tolerated"; PolyPhen-2: "Probably Damaging"; Align-GVGD: "Class C0"). In summary, the available evidence is currently insufficient to determine the role of this variant in disease. Therefore, it has been classified as a Variant of Uncertain Significance.